The following is an entry in ClinVar:

ClinVar aggregate classification (germline): Likely benign (1 of 4 stars; one submission).

Allele frequency attached by ClinVar (database versions not stated): gnomAD 0.00003 and 0.00004; TOPMed 0.00005.

Submission:

GeneDx
Classification: Likely benign. Last evaluated: 2016-05-31. Review status: criteria provided, single submitter. Criteria: GeneDx Variant Classification (06012015). Collection method: clinical testing. Allele origin: germline. Affected: yes.
Comment: This variant is considered likely benign or benign based on one or more of the following criteria: it is a conservative change, it occurs at a poorly conserved position in the protein, it is predicted to be benign by multiple in silico algorithms, and/or has population frequency not consistent with disease.

NM_005670.4(EPM2A):c.-3G>A

Genes: EPM2A (EPM2A glucan phosphatase, laforin; minus strand), EPM2A-DT (EPM2A divergent transcript; plus strand), LOC129997381 (ATAC-STARR-seq lymphoblastoid silent region 17642; plus strand). Cytogenetic location: 6q24.3.
Variant type: single nucleotide variant.
Coding change: c.-3G>A on transcript NM_005670.4 (MANE Select); 3 bases upstream of the start codon, G replaced by A.
Molecular consequence: 5 prime UTR variant. On other transcripts: intron variant (1).
Genome position (GRCh38, 1-based): chr6:145,735,501, C>T on the plus strand (G>A on the coding strand, the complement: EPM2A is on the minus strand). VCF-style: chr6-145735501-C-T. GRCh37 (hg19) VCF-style: chr6-146056637-C-T.
Other names: c.-3G>A (NM_001018041.2, NM_001360057.2, NM_001368130.1); c.-672G>A (NM_001360071.2); c.-626G>A (NM_001368129.2); c.-370G>A (NM_001368131.1); c.-114+407G>A (NM_001360064.2).
Identifiers: ClinVar variation 386673 (VCV000386673.1), dbSNP rs1057522567, ClinGen allele CA16604865.
Genomic context (GRCh38, chr6:145,735,501, plus strand): 5'-GCTCCGGCCGGGCGCCGGCCACGGCGGGTGGCACCACCACCCCAAAGCGGAAGCGCATGG[C>T]GGGCGGCGGCGGCGCGAATACCCGGGCCCGGAGTCCCCGCGGCCGGCAGGCGCGGCCCGA-3'